The following is an entry in ClinVar:

ClinVar aggregate classification (germline): Likely pathogenic (1 of 4 stars; one submission).

Conditions:
Developmental malformations-deafness-dystonia syndrome (DDS1). Identifiers: Orphanet 79107, MedGen C5848323, MONDO:0011823, OMIM 607371.
Baraitser-Winter syndrome 1 (BRWS1). Also called: PACHYGYRIA, MENTAL RETARDATION, EPILEPSY, AND CHARACTERISTIC FACIES; MENTAL RETARDATION WITH EPILEPSY AND CHARACTERISTIC FACIES; Cerebrofrontofacial syndrome; BARAITSER-WINTER SYNDROME 1, ATYPICAL. Identifiers: Orphanet 2649, Orphanet 2995, MedGen C1855722, MONDO:0009470, OMIM 243310.

Submission:

Institute for Genomic Medicine (IGM) Clinical Laboratory, Nationwide Children's Hospital
Classification: Likely pathogenic for Developmental malformations-deafness-dystonia syndrome; Baraitser-Winter syndrome 1. Last evaluated: 2018-09-25. Review status: criteria provided, single submitter. Criteria: ACMG Guidelines, 2015. Collection method: clinical testing. Allele origin: germline. Affected: yes.
Comment: [ACMG/AMP: PS2, PM2, PP2, PP3] This alteration is de novo in origin as it was not detected in the submitted parental specimens (identity confirmed) [PS2], is absent from or rarely observed in large-scale population databases [PM2], is a missense variant in a gene in which missense variants are a common mechanism of disease [PP2], is predicted to be damaging by multiple functional prediction tools [PP3].

NM_001101.5(ACTB):c.491C>A (p.Pro164His)

Gene: ACTB (actin beta; minus strand). Cytogenetic location: 7p22.1.
Variant type: single nucleotide variant.
Coding change: c.491C>A on transcript NM_001101.5 (MANE Select); coding-DNA position 491, C replaced by A.
Protein change: p.Pro164His; replaces proline 164 with histidine.
Molecular consequence: missense variant.
Genome position (GRCh38, 1-based): chr7:5,528,592, G>T on the plus strand (C>A on the coding strand, the complement: ACTB is on the minus strand). VCF-style: chr7-5528592-G-T. GRCh37 (hg19) VCF-style: chr7-5568223-G-T.
Other names: short protein forms P164H.
Identifiers: ClinVar variation 973260 (VCV000973260.5), dbSNP rs1784814819, ClinGen allele CA366703365.